The following is an entry in ClinVar:

NM_001005373.4(LRSAM1):c.1768T>G (p.Phe590Val)

Gene: LRSAM1 (leucine rich repeat and sterile alpha motif containing 1; plus strand). Cytogenetic location: 9q33.3.
Variant type: single nucleotide variant.
Coding change: c.1768T>G on transcript NM_001005373.4 (MANE Select); coding-DNA position 1768, T replaced by G.
Protein change: p.Phe590Val; replaces phenylalanine 590 with valine.
Molecular consequence: missense variant. On other transcripts: non-coding transcript variant (2).
Genome position (GRCh38, 1-based): chr9:127,496,033, T>G. VCF-style: chr9-127496033-T-G. GRCh37 (hg19) VCF-style: chr9-130258312-T-G.
Other names: c.1768T>G, p.Phe590Val (NM_001005374.4, NM_001384142.1, NM_138361.5); c.1687T>G, p.Phe563Val (NM_001190723.3); c.1669T>G, p.Phe557Val (NM_001384143.1); c.979T>G, p.Phe327Val (NM_001384144.1); short protein forms F327V, F590V, F563V, F557V.
Identifiers: ClinVar variation 4778476 (VCV004778476.1).

ClinVar aggregate classification (germline): Uncertain significance (1 of 4 stars; one submission).

Conditions:
Charcot-Marie-Tooth disease axonal type 2P. Also called: CHARCOT-MARIE-TOOTH DISEASE, AXONAL, TYPE 2G; CMT 2G; CHARCOT-MARIE-TOOTH NEUROPATHY, TYPE 2P; Charcot-Marie-Tooth Neuropathy Type 2G. Identifiers: Orphanet 300319, Orphanet 99941, MedGen C3280797, MONDO:0013753, OMIM 614436.

gnomAD v4.1: 3 of 1,612,572 alleles (0.00019%); highest among the groups gnomAD compares: Admixed American, 0.005%; no homozygotes.

Submission:

Labcorp Genetics (formerly Invitae), Labcorp
Classification: Uncertain significance for Charcot-Marie-Tooth disease axonal type 2P. Last evaluated: 2025-10-27. Review status: criteria provided, single submitter. Criteria: Invitae Variant Classification Sherloc (09022015). Collection method: clinical testing. Allele origin: germline.
Comment: This sequence change replaces phenylalanine, which is neutral and non-polar, with valine, which is neutral and non-polar, at codon 590 of the LRSAM1 protein (p.Phe590Val). This variant is present in population databases (rs761659187, gnomAD 0.003%). This variant has not been reported in the literature in individuals affected with LRSAM1-related conditions. Invitae Evidence Modeling of protein sequence and biophysical properties (such as structural, functional, and spatial information, amino acid conservation, physicochemical variation, residue mobility, and thermodynamic stability) indicates that this missense variant is not expected to disrupt LRSAM1 protein function with a negative predictive value of 80%. In summary, the available evidence is currently insufficient to determine the role of this variant in disease. Therefore, it has been classified as a Variant of Uncertain Significance.